The following is an entry in ClinVar:

NM_001164508.2(NEB):c.7010T>C (p.Val2337Ala)

Gene: NEB (nebulin; minus strand). Cytogenetic location: 2q23.3.
Variant type: single nucleotide variant.
Coding change: c.7010T>C on transcript NM_001164508.2 (MANE Select); coding-DNA position 7010, T replaced by C.
Protein change: p.Val2337Ala; replaces valine 2337 with alanine.
Molecular consequence: missense variant.
Genome position (GRCh38, 1-based): chr2:151,650,791, A>G on the plus strand (T>C on the coding strand, the complement: NEB is on the minus strand). VCF-style: chr2-151650791-A-G. GRCh37 (hg19) VCF-style: chr2-152507305-A-G.
Other names: c.7010T>C, p.Val2337Ala (NM_001164507.2, NM_001271208.2, NM_004543.5); short protein forms V2337A.
Identifiers: ClinVar variation 632923 (VCV000632923.2), dbSNP rs1558825869, ClinGen allele CA348790655.
Genomic context (GRCh38, chr2:151,650,791, plus strand): 5'-AACTTAGTTTTCCACTTCTCAAAGTCCTTCTTGTATTCTCTTTCACTCTGCATTTTGGCT[A>G]CATTCATGGACAACACAAGTTTTGGGTCATCTTGCAGACTCCGGAATCCAACATGGTGGC-3'
Protein context (NP_001157980.2, residues 2327-2347): DDPKLVLSMN[Val2337Ala]AKMQSEREYK

ClinVar aggregate classification (germline): Conflicting classifications of pathogenicity. Review status: criteria provided, conflicting classifications (1 of 4 stars). 2 submissions from 2 submitters: Uncertain significance (1); Likely benign (1). Last evaluated 2018-08-06.

Submissions (2):

Women's Health and Genetics/Laboratory Corporation of America, LabCorp
Classification: Uncertain significance. Last evaluated: 2018-08-06. Review status: criteria provided, single submitter. Criteria: LabCorp Variant Classification Summary - May 2015. Collection method: clinical testing. Allele origin: germline.
Comment: Variant summary: NEB c.7010T>C (p.Val2337Ala) results in a non-conservative amino acid change located in on of the the Nebulin repeats (IPR000900) of the encoded protein sequence. Three of five in-silico tools predict a damaging effect of the variant on protein function. The variant was absent in 245918 control chromosomes (gnomAD). The available data on variant occurrences in the general population are insufficient to allow any conclusion about variant significance. To our knowledge, no occurrence of c.7010T>C in individuals affected with Nemaline Myopathy 2 and no experimental evidence demonstrating its impact on protein function have been reported. No clinical diagnostic laboratories have submitted clinical-significance assessments for this variant to ClinVar after 2014. Based on the evidence outlined above, the variant was classified as uncertain significance.

GeneDx
Classification: Likely benign. Last evaluated: 2018-05-24. Review status: criteria provided, single submitter. Criteria: GeneDx Variant Classification (06012015). Collection method: clinical testing. Allele origin: germline. Affected: yes.
Comment: This variant is considered likely benign or benign based on one or more of the following criteria: it is a conservative change, it occurs at a poorly conserved position in the protein, it is predicted to be benign by multiple in silico algorithms, and/or has population frequency not consistent with disease.